The following is an entry in ClinVar:

NM_000350.3(ABCA4):c.6326T>C (p.Leu2109Pro)

Gene: ABCA4 (ATP binding cassette subfamily A member 4; minus strand). Cytogenetic location: 1p22.1.
Variant type: single nucleotide variant.
Coding change: c.6326T>C on transcript NM_000350.3 (MANE Select); coding-DNA position 6326, T replaced by C.
Protein change: p.Leu2109Pro; replaces leucine 2109 with proline.
Molecular consequence: missense variant.
Genome position (GRCh38, 1-based): chr1:94,001,062, A>G on the plus strand (T>C on the coding strand, the complement: ABCA4 is on the minus strand). VCF-style: chr1-94001062-A-G. GRCh37 (hg19) VCF-style: chr1-94466618-A-G.
Other names: c.6104T>C, p.Leu2035Pro (NM_001425324.1); short protein forms L2109P, L2035P.
Identifiers: ClinVar variation 236147 (VCV000236147.12), dbSNP rs886044761, ClinGen allele CA10602407.

ClinVar aggregate classification (germline): Pathogenic/Likely pathogenic. Review status: criteria provided, multiple submitters, no conflicts (2 of 4 stars). 4 submissions from 3 submitters: Pathogenic (2); Likely pathogenic (2). Last evaluated 2024-03-14.

Conditions:
ABCA4-related disorder. Also called: ABCA4-related condition; ABCA4-related disorders. Identifiers: MedGen CN239167.
Retinal dystrophy. Also called: Inherited retinal dystrophy. Identifiers: Orphanet 71862, MedGen C0854723, MeSH D058499, MONDO:0019118, HP:0000556.
Severe early-childhood-onset retinal dystrophy (STGD1). Also called: Stargardt macular dystrophy; Juvenile onset macular degeneration; Stargardt disease 1; STGD; MACULAR DYSTROPHY WITH FLECKS, TYPE 1. Identifiers: Orphanet 364055, Orphanet 827, MedGen C1855465, MeSH D000080362, MONDO:0009549, OMIM 248200.

Submissions (4):

Labcorp Genetics (formerly Invitae), Labcorp
Classification: Pathogenic. Last evaluated: 2024-03-14. Review status: criteria provided, single submitter. Criteria: Invitae Variant Classification Sherloc (09022015). Collection method: clinical testing. Allele origin: germline.
Comment: This sequence change replaces leucine, which is neutral and non-polar, with proline, which is neutral and non-polar, at codon 2109 of the ABCA4 protein (p.Leu2109Pro). This variant is not present in population databases (gnomAD no frequency). This missense change has been observed in individuals with ABCA4-related retinal dystrophy (PMID: 28118664, 29555955). ClinVar contains an entry for this variant (Variation ID: 236147). Advanced modeling of protein sequence and biophysical properties (such as structural, functional, and spatial information, amino acid conservation, physicochemical variation, residue mobility, and thermodynamic stability) performed at Invitae indicates that this missense variant is expected to disrupt ABCA4 protein function with a positive predictive value of 95%. For these reasons, this variant has been classified as Pathogenic.

Blueprint Genetics
Classification: Pathogenic for ABCA4-related disorders. Last evaluated: 2022-11-14. Review status: criteria provided, single submitter. Criteria: ACMG Guidelines, 2015. Collection method: clinical testing. Allele origin: germline. Affected: yes. Observed: 5 variant alleles.

Institute of Human Genetics, Univ. Regensburg, Univ. Regensburg
Classification: Likely pathogenic for Retinal dystrophy. Last evaluated: 2019-01-01. Review status: criteria provided, single submitter. Criteria: ACMG Guidelines, 2015. Collection method: clinical testing. Allele origin: germline. Affected: yes.

Institute of Human Genetics, Univ. Regensburg, Univ. Regensburg
Classification: Likely pathogenic for Severe early-childhood-onset retinal dystrophy. Last evaluated: 2016-01-01. Review status: criteria provided, single submitter. Criteria: Schulz et al. (Invest Ophthalmol Vis Sci. 2017). Collection method: clinical testing. Allele origin: germline. Affected: yes. Observed: 2 heterozygotes.

Literature cited by the submitters: PubMed 28118664 (cited by Labcorp Genetics (formerly Invitae), Labcorp and Institute of Human Genetics, Univ. Regensburg, Univ. Regensburg); PubMed 29555955 (cited by Labcorp Genetics (formerly Invitae), Labcorp and Institute of Human Genetics, Univ. Regensburg, Univ. Regensburg); PubMed 32037395 (cited by Institute of Human Genetics, Univ. Regensburg, Univ. Regensburg).